The following is an entry in ClinVar:

ClinVar aggregate classification (germline): Likely pathogenic. Review status: criteria provided, multiple submitters, no conflicts (2 of 4 stars). 3 submissions from 3 submitters: Likely pathogenic (2). 1 of the submissions does not count toward it. Last evaluated 2024-03-02.

Conditions:
Nemaline myopathy 2 (NEM2). Also called: Nemaline myopathy 2, autosomal recessive. Identifiers: MedGen C1850569, MONDO:0009725, OMIM 256030.
Arthrogryposis multiplex congenita 6. Identifiers: MedGen C5543431, MONDO:0030281, OMIM 619334.

Allele frequency attached by ClinVar (database versions not stated): gnomAD exomes below 0.00001; ExAC 0.00002.
gnomAD v4.1: 24 of 1,596,786 alleles (0.0015%); highest among the groups gnomAD compares: Non-Finnish European, 0.0021%; no homozygotes.

Submissions (3):

Fulgent Genetics
Classification: Likely pathogenic for Nemaline myopathy 2; Arthrogryposis multiplex congenita 6. Last evaluated: 2024-03-02. Review status: criteria provided, single submitter. Criteria: ACMG Guidelines, 2015. Collection method: clinical testing. Allele origin: germline.

Labcorp Genetics (formerly Invitae), Labcorp
Classification: Likely pathogenic for Nemaline myopathy 2. Last evaluated: 2024-01-21. Review status: criteria provided, single submitter. Criteria: Invitae Variant Classification Sherloc (09022015). Collection method: clinical testing. Allele origin: germline.
Comment: This sequence change affects an acceptor splice site in intron 8 of the NEB gene. It is expected to disrupt RNA splicing. Variants that disrupt the donor or acceptor splice site typically lead to a loss of protein function (PMID: 16199547), and loss-of-function variants in NEB are known to be pathogenic (PMID: 25205138). The frequency data for this variant in the population databases is considered unreliable, as metrics indicate poor data quality at this position in the gnomAD database. This variant has not been reported in the literature in individuals affected with NEB-related conditions. ClinVar contains an entry for this variant (Variation ID: 551742). Algorithms developed to predict the effect of sequence changes on RNA splicing suggest that this variant may disrupt the consensus splice site. In summary, the currently available evidence indicates that the variant is pathogenic, but additional data are needed to prove that conclusively. Therefore, this variant has been classified as Likely Pathogenic.

Counsyl
Classification: Likely pathogenic for Nemaline myopathy 2. Last evaluated: 2017-05-15. Review status: no assertion criteria provided. Collection method: clinical testing. Allele origin: unknown. Not counted in ClinVar's aggregate classification.

Literature cited by the submitters: PubMed 16199547 (cited by Labcorp Genetics (formerly Invitae), Labcorp); PubMed 25205138 (cited by Labcorp Genetics (formerly Invitae), Labcorp).

NM_001164508.2(NEB):c.613-1G>C

Gene: NEB (nebulin; minus strand). Cytogenetic location: 2q23.3.
Variant type: single nucleotide variant.
Coding change: c.613-1G>C on transcript NM_001164508.2 (MANE Select); the canonical splice acceptor site of the intron before coding-DNA position 613, G replaced by C.
Molecular consequence: splice acceptor variant.
Genome position (GRCh38, 1-based): chr2:151,723,487, C>G on the plus strand (G>C on the coding strand, the complement: NEB is on the minus strand). VCF-style: chr2-151723487-C-G. GRCh37 (hg19) VCF-style: chr2-152580001-C-G.
Other names: c.613-1G>C (NM_004543.5, NM_001164507.2, NM_001271208.2).
Identifiers: ClinVar variation 551742 (VCV000551742.10), dbSNP rs767693366, ClinGen allele CA1911833.
Genomic context (GRCh38, chr2:151,723,487, plus strand): 5'-GCTATCATTATAGGGGTAAAACAAACTTTTGTCTGCTTCCCAGTCTTCAGTGTACAGTTT[C>G]TAAATCAAAAAAGAGTGAAAAGTTAGGAGGAAGTAGGGTCACGTTTACACAAAATACATA-3'